The following is an entry in ClinVar:

ClinVar aggregate classification (germline): Uncertain significance (1 of 4 stars; one submission).

Conditions:
POLD1-related polyposis and colorectal cancer syndrome (CRCS10). Also called: COLORECTAL CANCER, SUSCEPTIBILITY TO, ON CHROMOSOME 19q; Colorectal cancer 10; Colorectal cancer, susceptibility to, 10. Identifiers: Orphanet 220460, MedGen C2675481, MONDO:0012953, OMIM 612591.

Submission:

Labcorp Genetics (formerly Invitae), Labcorp
Classification: Uncertain significance for POLD1-related polyposis and colorectal cancer syndrome. Last evaluated: 2025-07-15. Review status: criteria provided, single submitter. Criteria: Invitae Variant Classification Sherloc (09022015). Collection method: clinical testing. Allele origin: germline.
Comment: This sequence change replaces glycine, which is neutral and non-polar, with glutamic acid, which is acidic and polar, at codon 688 of the POLD1 protein (p.Gly688Glu). This variant is not present in population databases (gnomAD no frequency). This variant has not been reported in the literature in individuals affected with POLD1-related conditions. Invitae Evidence Modeling of protein sequence and biophysical properties (such as structural, functional, and spatial information, amino acid conservation, physicochemical variation, residue mobility, and thermodynamic stability) indicates that this missense variant is expected to disrupt POLD1 protein function with a positive predictive value of 80%. In summary, the available evidence is currently insufficient to determine the role of this variant in disease. Therefore, it has been classified as a Variant of Uncertain Significance.

NM_002691.4(POLD1):c.2063G>A (p.Gly688Glu)

Gene: POLD1 (DNA polymerase delta 1, catalytic subunit; plus strand). Cytogenetic location: 19q13.33.
Variant type: single nucleotide variant.
Coding change: c.2063G>A on transcript NM_002691.4 (MANE Select); coding-DNA position 2063, G replaced by A.
Protein change: p.Gly688Glu; replaces glycine 688 with glutamic acid.
Molecular consequence: missense variant. On other transcripts: non-coding transcript variant (1).
Genome position (GRCh38, 1-based): chr19:50,409,575, G>A. VCF-style: chr19-50409575-G-A. GRCh37 (hg19) VCF-style: chr19-50912832-G-A.
Other names: c.2063G>A, p.Gly688Glu (NM_001256849.1, NM_001438210.1, NM_001438211.1 and 2 more transcripts); c.2141G>A, p.Gly714Glu (NM_001308632.1); short protein forms G688E, G714E.
Identifiers: ClinVar variation 4741240 (VCV004741240.1).